The following is an entry in ClinVar:

NM_004230.4(S1PR2):c.632G>A (p.Arg211His)

Gene: S1PR2 (sphingosine-1-phosphate receptor 2; minus strand). Cytogenetic location: 19p13.2.
Variant type: single nucleotide variant.
Coding change: c.632G>A on transcript NM_004230.4 (MANE Select); coding-DNA position 632, G replaced by A.
Protein change: p.Arg211His; replaces arginine 211 with histidine.
Molecular consequence: missense variant.
Genome position (GRCh38, 1-based): chr19:10,224,274, C>T on the plus strand (G>A on the coding strand, the complement: S1PR2 is on the minus strand). VCF-style: chr19-10224274-C-T. GRCh37 (hg19) VCF-style: chr19-10334950-C-T.
Other names: c.632G>A (NM_004230.3); short protein forms R211H.
Identifiers: ClinVar variation 1395093 (VCV001395093.23), dbSNP rs141230424, ClinGen allele CA9189059.

ClinVar aggregate classification (germline): Uncertain significance. Review status: criteria provided, multiple submitters, no conflicts (2 of 4 stars). 5 submissions from 5 submitters: Uncertain significance (5). Last evaluated 2025-08-24.

Conditions:
Inborn genetic diseases. Identifiers: MedGen C0950123, MeSH D030342.

Allele frequency attached by ClinVar (database versions not stated): gnomAD 0.00007 and 0.00008; ExAC 0.00008; ESP Exome Variant Server 0.00008; gnomAD exomes 0.00008 and 0.00010; TOPMed 0.00015; 1000 Genomes Project 30x 0.00016; 1000 Genomes Project 0.00020.

Submissions (5):

Ambry Genetics
Classification: Uncertain significance for Inborn genetic diseases. Last evaluated: 2025-08-24. Review status: criteria provided, single submitter. Criteria: Ambry Variant Classification Scheme 2023. Collection method: clinical testing. Allele origin: germline.

GeneDx
Classification: Uncertain significance. Last evaluated: 2025-03-14. Review status: criteria provided, single submitter. Criteria: GeneDx Variant Classification Process June 2021. Collection method: clinical testing. Allele origin: germline. Affected: yes.
Comment: In silico analysis supports that this missense variant has a deleterious effect on protein structure/function; Has not been previously published as pathogenic or benign to our knowledge

CeGaT Center for Human Genetics Tuebingen
Classification: Uncertain significance. Last evaluated: 2025-02-01. Review status: criteria provided, single submitter. Criteria: CeGaT Center For Human Genetics Tuebingen Variant Classification Criteria Version 2. Collection method: clinical testing. Allele origin: germline. Affected: yes. Observed: 1 variant allele.
Comment: S1PR2: PM2, BP4

Blueprint Genetics
Classification: Uncertain significance. Last evaluated: 2024-11-14. Review status: criteria provided, single submitter. Criteria: ACMG Guidelines, 2015. Collection method: clinical testing. Allele origin: germline.

Labcorp Genetics (formerly Invitae), Labcorp
Classification: Uncertain significance. Last evaluated: 2021-04-11. Review status: criteria provided, single submitter. Criteria: Invitae Variant Classification Sherloc (09022015). Collection method: clinical testing. Allele origin: germline.
Comment: In summary, the available evidence is currently insufficient to determine the role of this variant in disease. Therefore, it has been classified as a Variant of Uncertain Significance. Algorithms developed to predict the effect of missense changes on protein structure and function are either unavailable or do not agree on the potential impact of this missense change (SIFT: "Deleterious"; PolyPhen-2: "Benign"; Align-GVGD: "Class C0"). This variant has not been reported in the literature in individuals with S1PR2-related conditions. This variant is present in population databases (rs141230424, ExAC 0.01%). This sequence change replaces arginine with histidine at codon 211 of the S1PR2 protein (p.Arg211His). The arginine residue is highly conserved and there is a small physicochemical difference between arginine and histidine.